The following is an entry in ClinVar:

NM_001458.5(FLNC):c.8051T>C (p.Val2684Ala)

Genes: FLNC-AS1 (FLNC antisense RNA 1; minus strand), FLNC (filamin C; plus strand). Cytogenetic location: 7q32.1.
Variant type: single nucleotide variant.
Coding change: c.8051T>C on transcript NM_001458.5 (MANE Select); coding-DNA position 8051, T replaced by C.
Protein change: p.Val2684Ala; replaces valine 2684 with alanine.
Molecular consequence: missense variant.
Genome position (GRCh38, 1-based): chr7:128,858,396, T>C. VCF-style: chr7-128858396-T-C. GRCh37 (hg19) VCF-style: chr7-128498450-T-C.
Other names: c.7952T>C, p.Val2651Ala (NM_001127487.2); short protein forms V2651A, V2684A.
Identifiers: ClinVar variation 642432 (VCV000642432.1), dbSNP rs1585173265, ClinGen allele CA369221428.
Genomic context (GRCh38, chr7:128,858,396, plus strand): 5'-GCACCAACATGATGATGGTGGGCGTGCACGGCCCCAAGACCCCCTGTGAGGAGGTGTACG[T>C]GAAGCACATGGGGAACCGGGTGTACAATGTCACCTACACTGTCAAGGAGAAAGGGGACTA-3'
Protein context (NP_001449.3, residues 2674-2694): GPKTPCEEVY[Val2684Ala]KHMGNRVYNV

ClinVar aggregate classification (germline): Uncertain significance (1 of 4 stars; one submission).

Conditions:
Distal myopathy with posterior leg and anterior hand involvement. Also called: WILLIAMS DISTAL MYOPATHY. Identifiers: Orphanet 63273, MedGen C3279722, MONDO:0013550, OMIM 614065.
Myofibrillar myopathy 5. Also called: FILAMINOPATHY, AUTOSOMAL DOMINANT; Filaminopathy (type). Identifiers: Orphanet 171445, MedGen C1836050, MONDO:0012289, OMIM 609524.
Dilated Cardiomyopathy, Dominant.
Hypertrophic cardiomyopathy 26. Also called: Cardiomyopathy, familial hypertrophic, 26. Identifiers: Orphanet 75249, MedGen C4310749, MONDO:0014883, OMIM 617047.

Submission:

Labcorp Genetics (formerly Invitae), Labcorp
Classification: Uncertain significance for Myopathy, distal, 4; Dilated Cardiomyopathy, Dominant; Myofibrillar myopathy, filamin C-related; Cardiomyopathy, familial hypertrophic, 26. Last evaluated: 2018-10-09. Review status: criteria provided, single submitter. Criteria: Invitae Variant Classification Sherloc (09022015). Collection method: clinical testing. Allele origin: germline.
Comment: This sequence change replaces valine with alanine at codon 2684 of the FLNC protein (p.Val2684Ala). The valine residue is highly conserved and there is a small physicochemical difference between valine and alanine. This variant is not present in population databases (ExAC no frequency). This variant has not been reported in the literature in individuals with FLNC-related disease. Algorithms developed to predict the effect of missense changes on protein structure and function are either unavailable or do not agree on the potential impact of this missense change (SIFT: "Deleterious"; PolyPhen-2: "Probably Damaging"; Align-GVGD: "Class C0"). In summary, the available evidence is currently insufficient to determine the role of this variant in disease. Therefore, it has been classified as a Variant of Uncertain Significance.